The following is an entry in ClinVar:

ClinVar aggregate classification (germline): Uncertain significance (1 of 4 stars; one submission).

Conditions:
EP300-related disorder. Also called: EP300-related disorders; EP300-related condition.

gnomAD v4.1: 6 of 1,613,714 alleles (0.00037%); highest among the groups gnomAD compares: African/African-American, 0.0013%; no homozygotes.

Submission:

PreventionGenetics, part of Exact Sciences
Classification: Uncertain significance for EP300-related condition. Last evaluated: 2025-12-22. Review status: criteria provided, single submitter. Criteria: ACMG Guidelines, 2015. Collection method: clinical testing. Allele origin: germline.
Comment: The EP300 c.6002C>T variant is predicted to result in the amino acid substitution p.Pro2001Leu. To our knowledge, this variant has not been reported in the literature. This variant is reported in 0.0062% of alleles in individuals of African descent in gnomAD. Another variant at this codon (p.Pro2001Ser) has been reported in and individual with malformation of cortical development (Wiszniewski et al. 2018. PubMed ID: 29706646). At this time, the clinical significance of this variant is uncertain due to the absence of conclusive functional and genetic evidence.

NM_001429.4(EP300):c.6002C>T (p.Pro2001Leu)

Gene: EP300 (EP300 lysine acetyltransferase; plus strand). Cytogenetic location: 22q13.2.
Variant type: single nucleotide variant.
Coding change: c.6002C>T on transcript NM_001429.4 (MANE Select); coding-DNA position 6002, C replaced by T.
Protein change: p.Pro2001Leu; replaces proline 2001 with leucine.
Molecular consequence: missense variant.
Genome position (GRCh38, 1-based): chr22:41,177,713, C>T. VCF-style: chr22-41177713-C-T. GRCh37 (hg19) VCF-style: chr22-41573717-C-T.
Other names: c.5924C>T, p.Pro1975Leu (NM_001362843.2); short protein forms P1975L, P2001L.
Identifiers: ClinVar variation 2634135 (VCV002634135.2), dbSNP rs145026388, ClinGen allele CA411679961.